The following is an entry in ClinVar:

NC_000017.10:g.(?_29547895)_(29556446_?)del

Gene: NF1 (neurofibromin 1; plus strand). Cytogenetic location: 17q11.2.
Variant type: Deletion.
Identifiers: ClinVar variation 3242904 (VCV003242904.1).

ClinVar aggregate classification (germline): Pathogenic (1 of 4 stars; one submission).

Conditions:
Neurofibromatosis, type 1 (NF1). Also called: VON RECKLINGHAUSEN DISEASE; Neurofibromatosis, type I; Peripheral type neurofibromatosis; NEUROFIBROMATOSIS, TYPE I, SOMATIC. Identifiers: Orphanet 636, MedGen C0027831, MONDO:0018975, OMIM 162200. Disease mechanism: loss of function.

Submission:

Labcorp Genetics (formerly Invitae), Labcorp
Classification: Pathogenic for Neurofibromatosis, type 1. Last evaluated: 2020-09-01. Review status: criteria provided, single submitter. Criteria: Invitae Variant Classification Sherloc (09022015). Collection method: clinical testing. Allele origin: unknown.
Comment: This variant results in the deletion of exon(s) 15-20 and part of exon 21 (c.1642-973_2813del) of the NF1 gene. It is expected to disrupt RNA splicing and likely results in an absent or disrupted protein product. This variant has not been reported in the literature in individuals with NF1-related conditions. This variant disrupts the p.Leu549 amino acid residue in NF1. Other variant(s) that disrupt this residue have been determined to be pathogenic (PMID: 21520333, Invitae). This suggests that this residue is clinically significant, and that variants that disrupt this residue are likely to be disease-causing. Loss-of-function variants in NF1 are known to be pathogenic (PMID: 10712197, 23913538). For these reasons, this variant has been classified as Pathogenic.

Literature cited by the submitters: PubMed 21520333; PubMed 10712197; PubMed 23913538.